The following is an entry in ClinVar:

ClinVar aggregate classification (germline): Benign (1 of 4 stars; one submission).

Allele frequency attached by ClinVar (database versions not stated): gnomAD 0.06030; TOPMed 0.07382; 1000 Genomes Project 30x 0.08054.

Submission:

GeneDx
Classification: Benign. Last evaluated: 2018-06-17. Review status: criteria provided, single submitter. Criteria: GeneDx Variant Classification (06012015). Collection method: clinical testing. Allele origin: germline. Affected: yes.
Comment: This variant is considered likely benign or benign based on one or more of the following criteria: it is a conservative change, it occurs at a poorly conserved position in the protein, it is predicted to be benign by multiple in silico algorithms, and/or has population frequency not consistent with disease.

NM_000047.3(ARSL):c.1290-295A>G

Gene: ARSL (arylsulfatase L; minus strand). Cytogenetic location: Xp22.33.
Variant type: single nucleotide variant.
Coding change: c.1290-295A>G on transcript NM_000047.3 (MANE Select); 295 bases into the intron before coding-DNA position 1290, A replaced by G.
Molecular consequence: intron variant.
Genome position (GRCh38, 1-based): chrX:2,937,158, T>C on the plus strand (A>G on the coding strand, the complement: ARSL is on the minus strand). VCF-style: chrX-2937158-T-C. GRCh37 (hg19) VCF-style: chrX-2855199-T-C.
Other names: c.1365-295A>G (NM_001282628.2, NM_001369080.1); c.1128-295A>G (NM_001282631.2); c.1317-295A>G (NM_001369079.1).
Identifiers: ClinVar variation 669797 (VCV000669797.1), dbSNP rs5982929, ClinGen allele CA326000510.